The following is an entry in ClinVar:

NM_001039213.4(CEACAM16):c.520G>A (p.Ala174Thr)

Genes: CEACAM16-AS1 (CEACAM16, CEACAM19 and PVR antisense RNA 1; minus strand), CEACAM16 (CEA cell adhesion molecule 16, tectorial membrane component; plus strand). Cytogenetic location: 19q13.32.
Variant type: single nucleotide variant.
Coding change: c.520G>A on transcript NM_001039213.4 (MANE Select); coding-DNA position 520, G replaced by A.
Protein change: p.Ala174Thr; replaces alanine 174 with threonine.
Molecular consequence: missense variant.
Genome position (GRCh38, 1-based): chr19:44,704,155, G>A. VCF-style: chr19-44704155-G-A. GRCh37 (hg19) VCF-style: chr19-45207425-G-A.
Other names: short protein forms A174T.
Identifiers: ClinVar variation 667087 (VCV000667087.23), dbSNP rs750153629, ClinGen allele CA9503084.

ClinVar aggregate classification (germline): Conflicting classifications of pathogenicity. Review status: criteria provided, conflicting classifications (1 of 4 stars). 5 submissions from 5 submitters: Uncertain significance (1); Likely benign (4). Last evaluated 2025-10-20.

Conditions:
Autosomal dominant nonsyndromic hearing loss 4B. Identifiers: Orphanet 90635, MedGen C3281297, MONDO:0013823, OMIM 614614.

Allele frequency attached by ClinVar (database versions not stated): gnomAD 0.00019 and 0.00020; gnomAD exomes 0.00022 and 0.00043; TOPMed 0.00023; ExAC 0.00078.
gnomAD v4.1: 363 of 1,588,874 alleles (0.023%); highest among the groups gnomAD compares: South Asian, 0.1%; no homozygotes.

Submissions (5):

Labcorp Genetics (formerly Invitae), Labcorp
Classification: Likely benign. Last evaluated: 2025-10-20. Review status: criteria provided, single submitter. Criteria: Invitae Variant Classification Sherloc (09022015). Collection method: clinical testing. Allele origin: germline.

Blueprint Genetics
Classification: Likely benign. Last evaluated: 2024-08-14. Review status: criteria provided, single submitter. Criteria: ACMG Guidelines, 2015. Collection method: clinical testing. Allele origin: germline.

GeneDx
Classification: Likely benign. Last evaluated: 2020-02-25. Review status: criteria provided, single submitter. Criteria: GeneDx Variant Classification Process June 2021. Collection method: clinical testing. Allele origin: germline. Affected: yes.

ARUP Laboratories, Molecular Genetics and Genomics, ARUP Laboratories
Classification: Uncertain significance for Autosomal dominant nonsyndromic hearing loss 4B. Last evaluated: 2019-02-25. Review status: criteria provided, single submitter. Criteria: ARUP Molecular Germline Variant Investigation Process. Collection method: clinical testing. Allele origin: germline.
Comment: The CEACAM16 c.520G>A p.Ala174Thr variant (rs750153629), to our knowledge, has not been reported in the medical literature or gene specific databases. This variant is found in the general population with an allele frequency in South Asian populations of 0.13% (33/26,176 alleles) in the Genome Aggregation Database. The alanine at codon 174 is moderately conserved (Alamut software v2.11), although computational analyses (SIFT, PolyPhen-2) predict that this variant is tolerated. Therefore, based on the available information, the clinical significance of this variant is uncertain.

Laboratory for Molecular Medicine, Mass General Brigham Personalized Medicine
Classification: Likely benign. Last evaluated: 2018-12-14. Review status: criteria provided, single submitter. Criteria: LMM Criteria. Collection method: clinical testing. Allele origin: germline. Observed: 1 variant allele.
Comment: The p.Ala174THr variant in CEACAM16 is classified as likely benign because it ha s been identified in 0.12% (33/26176) of South Asian chromosomes by gnomAD and computational prediction tools and conservatio n analysis suggest that this variant may not impact the protein. ACMG/AMP Crite ria applied: BS1_Supporting, BP4.